The following is an entry in ClinVar:

ClinVar aggregate classification (germline): Uncertain significance (1 of 4 stars; one submission).

Conditions:
NCOA1-related disorder. Also called: NCOA1-related condition.

Submission:

PreventionGenetics, part of Exact Sciences
Classification: Uncertain significance for NCOA1-related condition. Last evaluated: 2025-08-07. Review status: criteria provided, single submitter. Criteria: ACMG Guidelines, 2015. Collection method: clinical testing. Allele origin: germline.
Comment: The NCOA1 c.466G>A variant is predicted to result in the amino acid substitution p.Val156Ile. This variant was reported in an individual with developmental disorder (Supplemental Table 1, Kaplanis et al. 2020. PubMed ID: 33057194) and in an individual with autism spectrum disorder (Supplementary Data 3, Zhou et al. 2022. PubMed ID: 35982159). This variant is reported in 0.0034% of alleles in individuals of South Asian descent in gnomAD. At this time, the clinical significance of this variant is uncertain due to the absence of conclusive functional and genetic evidence.

NM_003743.5(NCOA1):c.466G>A (p.Val156Ile)

Gene: NCOA1 (nuclear receptor coactivator 1; plus strand). Cytogenetic location: 2p23.3.
Variant type: single nucleotide variant.
Coding change: c.466G>A on transcript NM_003743.5 (MANE Select); coding-DNA position 466, G replaced by A.
Protein change: p.Val156Ile; replaces valine 156 with isoleucine.
Molecular consequence: missense variant.
Genome position (GRCh38, 1-based): chr2:24,683,062, G>A. VCF-style: chr2-24683062-G-A. GRCh37 (hg19) VCF-style: chr2-24905931-G-A.
Other names: c.466G>A, p.Val156Ile (NM_001362950.1, NM_001362952.1, NM_001362954.1 and 3 more transcripts); short protein forms V156I.
Identifiers: ClinVar variation 4978966 (VCV004978966.1).